The following is an entry in ClinVar:

ClinVar aggregate classification (germline): Uncertain significance (1 of 4 stars; one submission).

Submission:

CeGaT Center for Human Genetics Tuebingen
Classification: Uncertain significance. Last evaluated: 2025-06-01. Review status: criteria provided, single submitter. Criteria: CeGaT Center For Human Genetics Tuebingen Variant Classification Criteria Version 2. Collection method: clinical testing. Allele origin: germline. Affected: yes. Observed: 1 variant allele.
Comment: GRIA2: PM2

NM_001083619.3(GRIA2):c.164A>C (p.Glu55Ala)

Gene: GRIA2 (glutamate ionotropic receptor AMPA type subunit 2; plus strand). Cytogenetic location: 4q32.1.
Variant type: single nucleotide variant.
Coding change: c.164A>C on transcript NM_001083619.3 (MANE Select); coding-DNA position 164, A replaced by C.
Protein change: p.Glu55Ala; replaces glutamic acid 55 with alanine.
Molecular consequence: missense variant.
Genome position (GRCh38, 1-based): chr4:157,221,742, A>C. VCF-style: chr4-157221742-A-C. GRCh37 (hg19) VCF-style: chr4-158142894-A-C.
Other names: c.164A>C, p.Glu55Ala (NM_000826.6); c.23A>C, p.Glu8Ala (NM_001083620.3, NM_001379000.3, NM_001379001.3); short protein forms E55A, E8A.
Identifiers: ClinVar variation 3905660 (VCV003905660.10).